The following is an entry in ClinVar:

ClinVar aggregate classification (germline): Uncertain significance. Review status: criteria provided, single submitter (1 of 4 stars). 2 submissions from 2 submitters: Uncertain significance (1). 1 of the submissions does not count toward it. Last evaluated 2022-07-12.

Conditions:
Primary ciliary dyskinesia. Also called: Ciliary dyskinesia. Identifiers: Orphanet 244, MedGen C0008780, MONDO:0016575, HP:0012265.

Allele frequency attached by ClinVar (database versions not stated): gnomAD 0.00001.
gnomAD v4.1: 1 of 1,613,982 alleles (0.000062%); highest among the groups gnomAD compares: Admixed American, 0.0017%; no homozygotes.

Submissions (2):

Labcorp Genetics (formerly Invitae), Labcorp
Classification: Uncertain significance for Primary ciliary dyskinesia. Last evaluated: 2022-07-12. Review status: criteria provided, single submitter. Criteria: Invitae Variant Classification Sherloc (09022015). Collection method: clinical testing. Allele origin: germline.
Comment: This sequence change replaces threonine, which is neutral and polar, with isoleucine, which is neutral and non-polar, at codon 1950 of the DNAH5 protein (p.Thr1950Ile). This variant is present in population databases (no rsID available, gnomAD 0.1%). This variant has not been reported in the literature in individuals affected with DNAH5-related conditions. ClinVar contains an entry for this variant (Variation ID: 407244). Advanced modeling of protein sequence and biophysical properties (such as structural, functional, and spatial information, amino acid conservation, physicochemical variation, residue mobility, and thermodynamic stability) performed at Invitae indicates that this missense variant is not expected to disrupt DNAH5 protein function. In summary, the available evidence is currently insufficient to determine the role of this variant in disease. Therefore, it has been classified as a Variant of Uncertain Significance.

Natera, Inc.
Classification: Uncertain significance for Primary ciliary dyskinesia. Last evaluated: 2020-07-20. Review status: no assertion criteria provided. Collection method: clinical testing. Allele origin: germline. Not counted in ClinVar's aggregate classification.

NM_001369.3(DNAH5):c.5849C>T (p.Thr1950Ile)

Gene: DNAH5 (dynein axonemal heavy chain 5; minus strand). Cytogenetic location: 5p15.2.
Variant type: single nucleotide variant.
Coding change: c.5849C>T on transcript NM_001369.3 (MANE Select); coding-DNA position 5849, C replaced by T.
Protein change: p.Thr1950Ile; replaces threonine 1950 with isoleucine.
Molecular consequence: missense variant.
Genome position (GRCh38, 1-based): chr5:13,839,389, G>A on the plus strand (C>T on the coding strand, the complement: DNAH5 is on the minus strand). VCF-style: chr5-13839389-G-A. GRCh37 (hg19) VCF-style: chr5-13839498-G-A.
Other names: short protein forms T1950I.
Identifiers: ClinVar variation 407244 (VCV000407244.10), dbSNP rs1060501465, ClinGen allele CA16611778.